The following is an entry in ClinVar:

NM_001852.4(COL9A2):c.374G>C (p.Gly125Ala)

Gene: COL9A2 (collagen type IX alpha 2 chain; minus strand). Cytogenetic location: 1p34.2.
Variant type: single nucleotide variant.
Coding change: c.374G>C on transcript NM_001852.4 (MANE Select); coding-DNA position 374, G replaced by C.
Protein change: p.Gly125Ala; replaces glycine 125 with alanine.
Molecular consequence: missense variant.
Genome position (GRCh38, 1-based): chr1:40,312,102, C>G on the plus strand (G>C on the coding strand, the complement: COL9A2 is on the minus strand). VCF-style: chr1-40312102-C-G. GRCh37 (hg19) VCF-style: chr1-40777774-C-G.
Other names: c.374G>C (NM_001852.3); short protein forms G125A.
Identifiers: ClinVar variation 3021497 (VCV003021497.4), dbSNP rs779524087, ClinGen allele CA791961.

ClinVar aggregate classification (germline): Uncertain significance. Review status: criteria provided, multiple submitters, no conflicts (2 of 4 stars). 2 submissions from 2 submitters: Uncertain significance (2). Last evaluated 2025-10-30.

Conditions:
Inborn genetic diseases. Identifiers: MedGen C0950123, MeSH D030342.

Allele frequency attached by ClinVar (database versions not stated): TOPMed below 0.00001; ExAC 0.00001; gnomAD 0.00001.

Submissions (2):

Ambry Genetics
Classification: Uncertain significance for Inborn genetic diseases. Last evaluated: 2025-10-30. Review status: criteria provided, single submitter. Criteria: Ambry Variant Classification Scheme 2023. Collection method: clinical testing. Allele origin: germline.

Labcorp Genetics (formerly Invitae), Labcorp
Classification: Uncertain significance. Last evaluated: 2023-03-13. Review status: criteria provided, single submitter. Criteria: Invitae Variant Classification Sherloc (09022015). Collection method: clinical testing. Allele origin: germline.
Comment: In summary, the available evidence is currently insufficient to determine the role of this variant in disease. Therefore, it has been classified as a Variant of Uncertain Significance. Advanced modeling of protein sequence and biophysical properties (such as structural, functional, and spatial information, amino acid conservation, physicochemical variation, residue mobility, and thermodynamic stability) performed at Invitae indicates that this missense variant is expected to disrupt COL9A2 protein function. This variant has not been reported in the literature in individuals affected with COL9A2-related conditions. This variant is present in population databases (rs779524087, gnomAD 0.004%). This sequence change replaces glycine, which is neutral and non-polar, with alanine, which is neutral and non-polar, at codon 125 of the COL9A2 protein (p.Gly125Ala).